The following is an entry in ClinVar:

ClinVar aggregate classification (germline): Uncertain significance (1 of 4 stars; one submission).

Conditions:
Polyglucosan body myopathy type 1 (PGBM1). Also called: Polyglucosan body myopathy 1 with or without immunodeficiency; POLYGLUCOSAN BODY MYOPATHY WITHOUT IMMUNODEFICIENCY. Identifiers: Orphanet 329173, Orphanet 397937, MedGen C4014605, MONDO:0014389, OMIM 615895.

Allele frequency attached by ClinVar (database versions not stated): gnomAD exomes 0.00002; ExAC 0.00004; gnomAD 0.00004 and 0.00005; TOPMed 0.00009; ESP Exome Variant Server 0.00015; 1000 Genomes Project 0.00060; 1000 Genomes Project 30x 0.00078.
gnomAD v4.1: 14 of 1,614,138 alleles (0.00087%); highest among the groups gnomAD compares: African/African-American, 0.011%; no homozygotes.

Submission:

Labcorp Genetics (formerly Invitae), Labcorp
Classification: Uncertain significance for Polyglucosan body myopathy type 1. Last evaluated: 2022-07-22. Review status: criteria provided, single submitter. Criteria: Invitae Variant Classification Sherloc (09022015). Collection method: clinical testing. Allele origin: germline.
Comment: This sequence change replaces glutamine, which is neutral and polar, with histidine, which is basic and polar, at codon 44 of the RBCK1 protein (p.Gln44His). This variant is present in population databases (rs145132343, gnomAD 0.03%). This variant has not been reported in the literature in individuals affected with RBCK1-related conditions. ClinVar contains an entry for this variant (Variation ID: 647257). Algorithms developed to predict the effect of missense changes on protein structure and function output the following: SIFT: "Not Available"; PolyPhen-2: "Benign"; Align-GVGD: "Not Available". The histidine amino acid residue is found in multiple mammalian species, which suggests that this missense change does not adversely affect protein function. In summary, the available evidence is currently insufficient to determine the role of this variant in disease. Therefore, it has been classified as a Variant of Uncertain Significance.

NM_031229.4(RBCK1):c.132A>T (p.Gln44His)

Gene: RBCK1 (RANBP2-type and C3HC4-type zinc finger containing 1; plus strand). Cytogenetic location: 20p13.
Variant type: single nucleotide variant.
Coding change: c.132A>T on transcript NM_031229.4 (MANE Select); coding-DNA position 132, A replaced by T.
Protein change: p.Gln44His; replaces glutamine 44 with histidine.
Molecular consequence: missense variant. On other transcripts: 5 prime UTR variant (1), non-coding transcript variant (1), intron variant (2).
Genome position (GRCh38, 1-based): chr20:409,990, A>T. VCF-style: chr20-409990-A-T. GRCh37 (hg19) VCF-style: chr20-390634-A-T.
Other names: c.-218A>T (NM_001323956.2); c.132A>T, p.Gln44His (NM_001323960.2); c.41+1211A>T (NM_006462.6); c.-183+1211A>T (NM_001323958.2); short protein forms Q44H.
Identifiers: ClinVar variation 647257 (VCV000647257.6), dbSNP rs145132343, ClinGen allele CA9722885.
Genomic context (GRCh38, chr20:409,990, plus strand): 5'-ACAGGTGGCAATGAAGTGTGCCATCTGGCTGGCAGAGCAACGGGTGCCCCTGAGTGTGCA[A>T]CTGAAGCCTGAGGTCTCCCCAACGCAGGACATCAGGTGAGGAGTGCATGGCTGGCCTGAA-3'
Protein context (NP_112506.2, residues 34-54): LAEQRVPLSV[Gln44His]LKPEVSPTQD